The following is an entry in ClinVar:

ClinVar aggregate classification (germline): Uncertain significance. Review status: criteria provided, multiple submitters, no conflicts (2 of 4 stars). 3 submissions from 3 submitters: Uncertain significance (3). Last evaluated 2023-11-02.

Conditions:
Lynch syndrome. Identifiers: Orphanet 144, MedGen C4552100, MONDO:0005835. Disease mechanism: loss of function.
Hereditary nonpolyposis colorectal neoplasms. Identifiers: MedGen C0009405, MeSH D003123.
Hereditary cancer-predisposing syndrome. Also called: Hereditary Cancer Syndrome; Hereditary neoplastic syndrome; Neoplastic Syndromes, Hereditary; Tumor predisposition. Identifiers: Orphanet 140162, MedGen C0027672, MeSH D009386, MONDO:0015356.

Submissions (3):

All of Us Research Program, National Institutes of Health
Classification: Uncertain significance for Lynch syndrome. Last evaluated: 2023-11-02. Review status: criteria provided, single submitter. Criteria: ACMG Guidelines, 2015. Collection method: clinical testing. Allele origin: germline. Inheritance: Autosomal dominant inheritance. Observed: 1 variant allele, 1 heterozygote.
Comment: This missense variant replaces proline with serine at codon 404 of the PMS2 protein. Computational prediction suggests that this variant may not impact protein structure and function (internally defined REVEL score threshold <= 0.5, PMID: 27666373). To our knowledge, functional studies have not been reported for this variant. This variant has not been reported in individuals affected with PMS2-related disorders in the literature. This variant has not been identified in the general population by the Genome Aggregation Database (gnomAD). The available evidence is insufficient to determine the role of this variant in disease conclusively. Therefore, this variant is classified as a Variant of Uncertain Significance.

This study involves interpretation of variants in research participants for the purpose of population health screening. Participant phenotype was not available at the time of variant classification. Additional details can be found in publication PMID: 35346344, PMCID: PMC8962531

Labcorp Genetics (formerly Invitae), Labcorp
Classification: Uncertain significance for Hereditary nonpolyposis colorectal neoplasms. Last evaluated: 2023-08-17. Review status: criteria provided, single submitter. Criteria: Invitae Variant Classification Sherloc (09022015). Collection method: clinical testing. Allele origin: germline.
Comment: This sequence change replaces proline, which is neutral and non-polar, with serine, which is neutral and polar, at codon 404 of the PMS2 protein (p.Pro404Ser). This variant is not present in population databases (gnomAD no frequency). This variant has not been reported in the literature in individuals affected with PMS2-related conditions. ClinVar contains an entry for this variant (Variation ID: 1750304). Advanced modeling of protein sequence and biophysical properties (such as structural, functional, and spatial information, amino acid conservation, physicochemical variation, residue mobility, and thermodynamic stability) performed at Invitae indicates that this missense variant is not expected to disrupt PMS2 protein function. In summary, the available evidence is currently insufficient to determine the role of this variant in disease. Therefore, it has been classified as a Variant of Uncertain Significance.

Ambry Genetics
Classification: Uncertain significance for Hereditary cancer-predisposing syndrome. Last evaluated: 2018-06-19. Review status: criteria provided, single submitter. Criteria: Ambry Variant Classification Scheme 2023. Collection method: clinical testing. Allele origin: germline.
Comment: The p.P404S variant (also known as c.1210C>T), located in coding exon 11 of the PMS2 gene, results from a C to T substitution at nucleotide position 1210. The proline at codon 404 is replaced by serine, an amino acid with similar properties. This amino acid position is poorly conserved in available vertebrate species. In addition, this alteration is predicted to be tolerated by in silico analysis. Since supporting evidence is limited at this time, the clinical significance of this alteration remains unclear.

NM_000535.7(PMS2):c.1210C>T (p.Pro404Ser)

Gene: PMS2 (PMS1 homolog 2, mismatch repair system component; minus strand). Cytogenetic location: 7p22.1.
Variant type: single nucleotide variant.
Coding change: c.1210C>T on transcript NM_000535.7 (MANE Select); coding-DNA position 1210, C replaced by T.
Protein change: p.Pro404Ser; replaces proline 404 with serine.
Molecular consequence: missense variant. On other transcripts: non-coding transcript variant (1).
Genome position (GRCh38, 1-based): chr7:5,987,555, G>A on the plus strand (C>T on the coding strand, the complement: PMS2 is on the minus strand). VCF-style: chr7-5987555-G-A. GRCh37 (hg19) VCF-style: chr7-6027186-G-A.
Other names: c.805C>T, p.Pro269Ser (NM_001018040.1, NM_001322003.2, NM_001322004.2 and 17 more transcripts); c.1054C>T, p.Pro352Ser (NM_001322006.2, NM_001406870.1); c.892C>T, p.Pro298Ser (NM_001322007.2, NM_001322008.2, NM_001406876.1 and 2 more transcripts); c.649C>T, p.Pro217Ser (NM_001322010.2, NM_001406906.1, NM_001406907.1); c.277C>T, p.Pro93Ser (NM_001322011.2, NM_001322012.2); c.637C>T, p.Pro213Ser (NM_001322013.2, NM_001406909.1); c.1210C>T, p.Pro404Ser (NM_001322014.2, NM_001406871.1, NM_001406872.1); c.901C>T, p.Pro301Ser (NM_001322015.2, NM_001406875.1, NM_001406877.1 and 5 more transcripts); and 12 more; short protein forms P213S, P246S, P282S, P296S, P348S, P368S, P466S, P249S.
Identifiers: ClinVar variation 1750304 (VCV001750304.8), dbSNP rs2128736131, ClinGen allele CA366742558.